The following is an entry in ClinVar:

NM_001005373.4(LRSAM1):c.355C>G (p.Leu119Val)

Gene: LRSAM1 (leucine rich repeat and sterile alpha motif containing 1; plus strand). Cytogenetic location: 9q33.3.
Variant type: single nucleotide variant.
Coding change: c.355C>G on transcript NM_001005373.4 (MANE Select); coding-DNA position 355, C replaced by G.
Protein change: p.Leu119Val; replaces leucine 119 with valine.
Molecular consequence: missense variant. On other transcripts: 5 prime UTR variant (1), non-coding transcript variant (2).
Genome position (GRCh38, 1-based): chr9:127,461,206, C>G. VCF-style: chr9-127461206-C-G. GRCh37 (hg19) VCF-style: chr9-130223485-C-G.
Other names: c.355C>G, p.Leu119Val (NM_001005374.4, NM_001190723.3, NM_001384142.1 and 2 more transcripts); c.-430C>G (NM_001384144.1); short protein forms L119V.
Identifiers: ClinVar variation 1006581 (VCV001006581.8), dbSNP rs1224073398, ClinGen allele CA374967909.
Genomic context (GRCh38, chr9:127,461,206, plus strand): 5'-GCCTGGCTGCCTCTTCCTCTTTCTTAGGTCTTAAACGTGGAAAGGAATCAACTGATGCAG[C>G]TCCCACGTTCCATTGGGAACCTGACCCAGCTCCAGACTCTCAATGTTAAAGGTAGGGACC-3'
Protein context (NP_001005373.1, residues 109-129): LNVERNQLMQ[Leu119Val]PRSIGNLTQL

ClinVar aggregate classification (germline): Uncertain significance (1 of 4 stars; one submission).

Conditions:
Charcot-Marie-Tooth disease axonal type 2P. Also called: CHARCOT-MARIE-TOOTH DISEASE, AXONAL, TYPE 2G; CMT 2G; CHARCOT-MARIE-TOOTH NEUROPATHY, TYPE 2P; Charcot-Marie-Tooth Neuropathy Type 2G. Identifiers: Orphanet 300319, Orphanet 99941, MedGen C3280797, MONDO:0013753, OMIM 614436.

Allele frequency attached by ClinVar (database versions not stated): TOPMed 0.00001.

Submission:

Labcorp Genetics (formerly Invitae), Labcorp
Classification: Uncertain significance for Charcot-Marie-Tooth disease axonal type 2P. Last evaluated: 2021-08-03. Review status: criteria provided, single submitter. Criteria: Invitae Variant Classification Sherloc (09022015). Collection method: clinical testing. Allele origin: germline.
Comment: This variant has not been reported in the literature in individuals with LRSAM1-related conditions. Algorithms developed to predict the effect of missense changes on protein structure and function are either unavailable or do not agree on the potential impact of this missense change (SIFT: "Deleterious"; PolyPhen-2: "Benign"; Align-GVGD: "Class C25"). In summary, the available evidence is currently insufficient to determine the role of this variant in disease. Therefore, it has been classified as a Variant of Uncertain Significance. This variant is not present in population databases (ExAC no frequency). This sequence change replaces leucine with valine at codon 119 of the LRSAM1 protein (p.Leu119Val). The leucine residue is highly conserved and there is a small physicochemical difference between leucine and valine.